The following is an entry in ClinVar:

NM_030665.4(RAI1):c.4963G>T (p.Gly1655Cys)

Gene: RAI1 (retinoic acid induced 1; plus strand). Cytogenetic location: 17p11.2.
Variant type: single nucleotide variant.
Coding change: c.4963G>T on transcript NM_030665.4 (MANE Select); coding-DNA position 4963, G replaced by T.
Protein change: p.Gly1655Cys; replaces glycine 1655 with cysteine.
Molecular consequence: missense variant.
Genome position (GRCh38, 1-based): chr17:17,797,911, G>T. VCF-style: chr17-17797911-G-T. GRCh37 (hg19) VCF-style: chr17-17701225-G-T.
Other names: short protein forms G1655C.
Identifiers: ClinVar variation 4986993 (VCV004986993.1).
Genomic context (GRCh38, chr17:17,797,911, plus strand): 5'-TCATCCTCGTCCTCGTTCTCCTTGGATGCAGCCGGGGCCTCCCTGGCCACACTCCCTGGA[G>T]GCTCCATCCTGCAGCCGCGGCCCTCCTTGCCCCTCTCCTCCACGATGCACTTGGGGCCTG-3'
Protein context (NP_109590.3, residues 1645-1665): AGASLATLPG[Gly1655Cys]SILQPRPSLP

ClinVar aggregate classification (germline): Uncertain significance (1 of 4 stars; one submission).

Conditions:
RAI1-related disorder. Also called: RAI1-related condition.

Submission:

PreventionGenetics, part of Exact Sciences
Classification: Uncertain significance for RAI1-related condition. Last evaluated: 2025-05-09. Review status: criteria provided, single submitter. Criteria: ACMG Guidelines, 2015. Collection method: clinical testing. Allele origin: germline.
Comment: The RAI1 c.4963G>T variant is predicted to result in the amino acid substitution p.Gly1655Cys. To our knowledge, this variant has not been reported in the literature or in a large population database (gnomAD), indicating this variant is rare. At this time, the clinical significance of this variant is uncertain due to the absence of conclusive functional and genetic evidence.